The following is an entry in ClinVar:

ClinVar aggregate classification (germline): Uncertain significance (1 of 4 stars; one submission).

Conditions:
COG7 congenital disorder of glycosylation (CDG2E). Also called: CONGENITAL DISORDER OF GLYCOSYLATION, TYPE IIe; CDG IIe. Identifiers: Orphanet 79333, MedGen C2931010, MONDO:0012118, OMIM 608779.

Allele frequency attached by ClinVar (database versions not stated): gnomAD exomes below 0.00001; ExAC 0.00001.

Submission:

Labcorp Genetics (formerly Invitae), Labcorp
Classification: Uncertain significance for COG7 congenital disorder of glycosylation. Last evaluated: 2022-01-11. Review status: criteria provided, single submitter. Criteria: Invitae Variant Classification Sherloc (09022015). Collection method: clinical testing. Allele origin: germline.
Comment: In summary, the available evidence is currently insufficient to determine the role of this variant in disease. Therefore, it has been classified as a Variant of Uncertain Significance. Algorithms developed to predict the effect of missense changes on protein structure and function are either unavailable or do not agree on the potential impact of this missense change (SIFT: "Deleterious"; PolyPhen-2: "Benign"; Align-GVGD: "Class C0"). This variant has not been reported in the literature in individuals affected with COG7-related conditions. This variant is present in population databases (rs780036773, gnomAD 0.0009%). This sequence change replaces histidine, which is basic and polar, with tyrosine, which is neutral and polar, at codon 393 of the COG7 protein (p.His393Tyr).

NM_153603.4(COG7):c.1177C>T (p.His393Tyr)

Gene: COG7 (component of oligomeric golgi complex 7; minus strand). Cytogenetic location: 16p12.2.
Variant type: single nucleotide variant.
Coding change: c.1177C>T on transcript NM_153603.4 (MANE Select); coding-DNA position 1177, C replaced by T.
Protein change: p.His393Tyr; replaces histidine 393 with tyrosine.
Molecular consequence: missense variant.
Genome position (GRCh38, 1-based): chr16:23,417,082, G>A on the plus strand (C>T on the coding strand, the complement: COG7 is on the minus strand). VCF-style: chr16-23417082-G-A. GRCh37 (hg19) VCF-style: chr16-23428403-G-A.
Other names: short protein forms H393Y.
Identifiers: ClinVar variation 2080439 (VCV002080439.2), dbSNP rs780036773, ClinGen allele CA7961057.
Genomic context (GRCh38, chr16:23,417,082, plus strand): 5'-TGAATCTGACGCATCTGTCAACGGCTGCAGACGCCAGACCAAACAGCTTGTTCACGGAGT[G>A]GCTCAGCTCCTGCACACAGTCAATCACTTCCCCATGCTCCTGGTCAGCAAATACAGACAA-3'
Protein context (NP_705831.1, residues 383-403): EVIDCVQELS[His393Tyr]SVNKLFGLAS